The following is an entry in ClinVar:

ClinVar aggregate classification (germline): Likely benign (3 of 4 stars; one submission).

Conditions:
Breast-ovarian cancer, familial, susceptibility to, 2 (BROVCA2). Also called: BRCA2 Hereditary Breast and Ovarian Cancer. Identifiers: Orphanet 145, MedGen C2675520, MONDO:0012933, OMIM 612555. Disease mechanism: loss of function.

Submission:

Evidence-based Network for the Interpretation of Germline Mutant Alleles (ENIGMA)
Classification: Likely benign for Breast-ovarian cancer, familial, susceptibility to, 2. Last evaluated: 2017-06-29. Review status: reviewed by expert panel. Criteria: ENIGMA BRCA1/2 Classification Criteria (2017-06-29). Collection method: curation. Allele origin: germline.
Comment: Synonymous substitution variant, with low bioinformatic likelihood to result in a splicing aberration (Splicing prior probability 0.02).

NM_000059.4(BRCA2):c.2899C>T (p.Leu967=)

Gene: BRCA2 (BRCA2 DNA repair associated; plus strand). Cytogenetic location: 13q13.1.
Variant type: single nucleotide variant.
Coding change: c.2899C>T on transcript NM_000059.4 (MANE Select); coding-DNA position 2899, C replaced by T.
Protein change: p.Leu967=; no amino-acid change (leucine 967 retained).
Molecular consequence: synonymous variant.
Genome position (GRCh38, 1-based): chr13:32,337,254, C>T. VCF-style: chr13-32337254-C-T. GRCh37 (hg19) VCF-style: chr13-32911391-C-T.
Identifiers: ClinVar variation 427390 (VCV000427390.3), dbSNP rs80358539, ClinGen allele CA483437165.
Genomic context (GRCh38, chr13:32,337,254, plus strand): 5'-TTGGTTTATGTTCTTGCAGAGGAGAACAAAAATAGTGTAAAGCAGCATATAAAAATGACT[C>T]TAGGTCAAGATTTAAAATCGGACATCTCCTTGAATATAGATAAAATACCAGAAAAAAATA-3'
Protein context (NP_000050.3, residues 957-977): NSVKQHIKMT[Leu967=]GQDLKSDISL